The following is an entry in ClinVar:

ClinVar aggregate classification (germline): Conflicting classifications of pathogenicity. Review status: criteria provided, conflicting classifications (1 of 4 stars). 2 submissions from 2 submitters: Uncertain significance (1); Likely benign (1). Last evaluated 2025-07-27.

Conditions:
Immunodeficiency 39 (IMD39). Identifiers: Orphanet 574918, MedGen C4225358, MONDO:0014597, OMIM 616345.

Allele frequency attached by ClinVar (database versions not stated): gnomAD exomes below 0.00001 and 0.00001; gnomAD 0.00001; TOPMed 0.00001; ExAC 0.00002.
gnomAD v4.1: 6 of 1,612,864 alleles (0.00037%); highest among the groups gnomAD compares: South Asian, 0.0033%; no homozygotes.

Submissions (2):

Labcorp Genetics (formerly Invitae), Labcorp
Classification: Uncertain significance for Immunodeficiency 39. Last evaluated: 2025-07-27. Review status: criteria provided, single submitter. Criteria: Invitae Variant Classification Sherloc (09022015). Collection method: clinical testing. Allele origin: germline.
Comment: This sequence change replaces alanine, which is neutral and non-polar, with threonine, which is neutral and polar, at codon 498 of the IRF7 protein (p.Ala498Thr). This variant is present in population databases (rs772836644, gnomAD 0.01%). This variant has not been reported in the literature in individuals affected with IRF7-related conditions. ClinVar contains an entry for this variant (Variation ID: 1432117). Invitae Evidence Modeling of protein sequence and biophysical properties (such as structural, functional, and spatial information, amino acid conservation, physicochemical variation, residue mobility, and thermodynamic stability) indicates that this missense variant is not expected to disrupt IRF7 protein function with a negative predictive value of 80%. In summary, the available evidence is currently insufficient to determine the role of this variant in disease. Therefore, it has been classified as a Variant of Uncertain Significance.

Ambry Genetics
Classification: Likely benign. Last evaluated: 2023-12-26. Review status: criteria provided, single submitter. Criteria: Ambry Variant Classification Scheme 2023. Collection method: clinical testing. Allele origin: germline.

NM_001572.5(IRF7):c.1453G>A (p.Ala485Thr)

Gene: IRF7 (interferon regulatory factor 7; minus strand). Cytogenetic location: 11p15.5.
Variant type: single nucleotide variant.
Coding change: c.1453G>A on transcript NM_001572.5 (MANE Select); coding-DNA position 1453, G replaced by A.
Protein change: p.Ala485Thr; replaces alanine 485 with threonine.
Molecular consequence: missense variant.
Genome position (GRCh38, 1-based): chr11:612,704, C>T on the plus strand (G>A on the coding strand, the complement: IRF7 is on the minus strand). VCF-style: chr11-612704-C-T. GRCh37 (hg19) VCF-style: chr11-612704-C-T.
Other names: c.1366G>A, p.Ala456Thr (NM_004029.4); c.1492G>A, p.Ala498Thr (NM_004031.4); c.1492G>A (NM_004031.2); short protein forms A456T, A485T, A498T.
Identifiers: ClinVar variation 1432117 (VCV001432117.9), dbSNP rs772836644, ClinGen allele CA5783439.